The following is an entry in ClinVar:

ClinVar aggregate classification (germline): Benign/Likely benign. Review status: criteria provided, multiple submitters, no conflicts (2 of 4 stars). 3 submissions from 3 submitters: Benign (2); Likely benign (1). Last evaluated 2026-01-18.

Allele frequency attached by ClinVar (database versions not stated): 1000 Genomes Project 30x 0.00172; 1000 Genomes Project 0.00200; ESP Exome Variant Server 0.00215; gnomAD 0.00236; ExAC 0.00248; TOPMed 0.00248; gnomAD exomes 0.00255.
gnomAD v4.1: 4,869 of 1,614,022 alleles (0.3%); highest among the groups gnomAD compares: Non-Finnish European, 0.34%; 12 homozygotes.

Submissions (3):

Labcorp Genetics (formerly Invitae), Labcorp
Classification: Benign. Last evaluated: 2026-01-18. Review status: criteria provided, single submitter. Criteria: Invitae Variant Classification Sherloc (09022015). Collection method: clinical testing. Allele origin: germline.

CeGaT Center for Human Genetics Tuebingen
Classification: Likely benign. Last evaluated: 2025-06-01. Review status: criteria provided, single submitter. Criteria: CeGaT Center For Human Genetics Tuebingen Variant Classification Criteria Version 2. Collection method: clinical testing. Allele origin: germline. Affected: yes. Observed: 1 variant allele.
Comment: DIP2C: BP4, BP7

Breakthrough Genomics
Classification: Benign. Review status: criteria provided, single submitter. Criteria: ACMG Guidelines, 2015. Collection method: not provided. Allele origin: germline. Inheritance: Unknown mechanism. Affected: yes.

NM_014974.3(DIP2C):c.2298G>A (p.Pro766=)

Genes: DIP2C (DIP2 acetate--CoA ligase C (putative); minus strand), LOC126860806 (MED14-independent group 3 enhancer GRCh37_chr10:409736-410935; plus strand). Cytogenetic location: 10p15.3.
Variant type: single nucleotide variant.
Coding change: c.2298G>A on transcript NM_014974.3 (MANE Select); coding-DNA position 2298, G replaced by A.
Protein change: p.Pro766=; no amino-acid change (proline 766 retained).
Molecular consequence: synonymous variant.
Genome position (GRCh38, 1-based): chr10:364,553, C>T on the plus strand (G>A on the coding strand, the complement: DIP2C is on the minus strand). VCF-style: chr10-364553-C-T. GRCh37 (hg19) VCF-style: chr10-410493-C-T.
Identifiers: ClinVar variation 779259 (VCV000779259.19), dbSNP rs147998964, ClinGen allele CA5380475.